The following is an entry in ClinVar:

ClinVar aggregate classification (germline): Uncertain significance (1 of 4 stars; one submission).

Allele frequency attached by ClinVar (database versions not stated): gnomAD exomes below 0.00001.
gnomAD v4.1: 1 of 1,612,508 alleles (0.000062%); highest among the groups gnomAD compares: Non-Finnish European, 0.000085%; no homozygotes.

Submission:

GeneDx
Classification: Uncertain significance. Last evaluated: 2019-07-25. Review status: criteria provided, single submitter. Criteria: GeneDx Variant Classification Process June 2021. Collection method: clinical testing. Allele origin: germline. Affected: yes.
Comment: Not observed in large population cohorts (Lek et al., 2016); In silico analysis, which includes protein predictors and evolutionary conservation, supports that this variant does not alter protein structure/function; Has not been previously published as pathogenic or benign to our knowledge

NM_005045.4(RELN):c.6077A>C (p.Asn2026Thr)

Gene: RELN (reelin; minus strand). Cytogenetic location: 7q22.1.
Variant type: single nucleotide variant.
Coding change: c.6077A>C on transcript NM_005045.4 (MANE Select); coding-DNA position 6077, A replaced by C.
Protein change: p.Asn2026Thr; replaces asparagine 2026 with threonine.
Molecular consequence: missense variant.
Genome position (GRCh38, 1-based): chr7:103,551,292, T>G on the plus strand (A>C on the coding strand, the complement: RELN is on the minus strand). VCF-style: chr7-103551292-T-G. GRCh37 (hg19) VCF-style: chr7-103191739-T-G.
Other names: c.6077A>C, p.Asn2026Thr (NM_173054.3); short protein forms N2026T.
Identifiers: ClinVar variation 1320549 (VCV001320549.2), dbSNP rs1830405923, ClinGen allele CA368738868.
Genomic context (GRCh38, chr7:103,551,292, plus strand): 5'-TCCCTTGAAAATTCCAGTCTCACTGGATCCGCGGATGAGCTATCAGTCGAACAGCCAACG[T>G]TGATCTTGGGGATGAAGAAAAAAATGATACAAATTACCTCAGAGCAACAAGCCTTGAAAT-3'
Protein context (NP_005036.2, residues 2016-2036): NENTIIQFEI[Asn2026Thr]VGCSTDSSSA